The following is an entry in ClinVar:

NM_181507.2(HPS5):c.1034T>C (p.Leu345Pro)

Gene: HPS5 (HPS5 biogenesis of lysosomal organelles complex 2 subunit 2; minus strand). Cytogenetic location: 11p15.1.
Variant type: single nucleotide variant.
Coding change: c.1034T>C on transcript NM_181507.2 (MANE Select); coding-DNA position 1034, T replaced by C.
Protein change: p.Leu345Pro; replaces leucine 345 with proline.
Molecular consequence: missense variant.
Genome position (GRCh38, 1-based): chr11:18,298,922, A>G on the plus strand (T>C on the coding strand, the complement: HPS5 is on the minus strand). VCF-style: chr11-18298922-A-G. GRCh37 (hg19) VCF-style: chr11-18320469-A-G.
Other names: c.692T>C, p.Leu231Pro (NM_007216.4, NM_181508.2); short protein forms L231P, L345P.
Identifiers: ClinVar variation 1366633 (VCV001366633.6), dbSNP rs754589107, ClinGen allele CA5910244.

ClinVar aggregate classification (germline): Uncertain significance. Review status: criteria provided, multiple submitters, no conflicts (2 of 4 stars). 2 submissions from 2 submitters: Uncertain significance (2). Last evaluated 2024-10-01.

Conditions:
Inborn genetic diseases. Identifiers: MedGen C0950123, MeSH D030342.

Allele frequency attached by ClinVar (database versions not stated): gnomAD exomes below 0.00001 and 0.00001; ExAC 0.00002; TOPMed 0.00003.
gnomAD v4.1: 7 of 1,614,228 alleles (0.00043%); highest among the groups gnomAD compares: Admixed American, 0.005%; no homozygotes.

Submissions (2):

Ambry Genetics
Classification: Uncertain significance for Inborn genetic diseases. Last evaluated: 2024-10-01. Review status: criteria provided, single submitter. Criteria: Ambry Variant Classification Scheme 2023. Collection method: clinical testing. Allele origin: germline.

Labcorp Genetics (formerly Invitae), Labcorp
Classification: Uncertain significance. Last evaluated: 2022-07-12. Review status: criteria provided, single submitter. Criteria: Invitae Variant Classification Sherloc (09022015). Collection method: clinical testing. Allele origin: germline.
Comment: This sequence change replaces leucine, which is neutral and non-polar, with proline, which is neutral and non-polar, at codon 345 of the HPS5 protein (p.Leu345Pro). This variant is present in population databases (rs754589107, gnomAD 0.003%). This variant has not been reported in the literature in individuals affected with HPS5-related conditions. ClinVar contains an entry for this variant (Variation ID: 1366633). Algorithms developed to predict the effect of missense changes on protein structure and function (SIFT, PolyPhen-2, Align-GVGD) all suggest that this variant is likely to be tolerated. In summary, the available evidence is currently insufficient to determine the role of this variant in disease. Therefore, it has been classified as a Variant of Uncertain Significance.